The following is an entry in ClinVar:

NM_001009944.3(PKD1):c.9885del (p.Asn3295fs)

Gene: PKD1 (polycystin 1, transient receptor potential channel interacting; minus strand). Cytogenetic location: 16p13.3.
Variant type: Deletion.
Coding change: c.9885del on transcript NM_001009944.3 (MANE Select); coding-DNA position 9885, one base deleted (C; older notation c.9885delC).
Protein change: p.Asn3295fs; shifts the reading frame from asparagine 3295.
Molecular consequence: frameshift variant.
Genome position (GRCh38, 1-based): chr16:2,099,899, G deleted on the plus strand (C on the coding strand, the reverse complement: PKD1 is on the minus strand). VCF-style (leftmost placement, unchanged base first): chr16-2099898-CG-C. GRCh37 (hg19) VCF-style: chr16-2149899-CG-C.
Other names: c.9885del, p.Asn3295fs (NM_000296.4); short protein forms N3295fs.
Identifiers: ClinVar variation 805196 (VCV000805196.1), dbSNP rs1596512492, ClinGen allele CA915948986.

ClinVar aggregate classification (germline): Pathogenic (1 of 4 stars; one submission).

Submission:

Athena Diagnostics
Classification: Pathogenic. Last evaluated: 2018-09-27. Review status: criteria provided, single submitter. Criteria: Athena Diagnostics Criteria. Collection method: clinical testing. Allele origin: germline.
Comment: The variant results in a shift of the reading frame, and is therefore predicted to significantly disrupt the protein structure. Found in at least one symptomatic patient, and not found in general population data.